The following is an entry in ClinVar:

NM_001148.6(ANK2):c.10309A>T (p.Ile3437Leu)

Gene: ANK2 (ankyrin 2; plus strand). Cytogenetic location: 4q26.
Variant type: single nucleotide variant.
Coding change: c.10309A>T on transcript NM_001148.6 (MANE Select); coding-DNA position 10309, A replaced by T.
Protein change: p.Ile3437Leu; replaces isoleucine 3437 with leucine.
Molecular consequence: missense variant. On other transcripts: intron variant (68).
Genome position (GRCh38, 1-based): chr4:113,358,927, A>T. VCF-style: chr4-113358927-A-T. GRCh37 (hg19) VCF-style: chr4-114280083-A-T.
Other names: c.4043-1896A>T (NM_001386157.1, NM_001354277.2); c.4361-1896A>T (NM_001386161.1, NM_001354244.2, NM_001354256.2); c.4286-1896A>T (NM_001354261.2); c.4166-1896A>T (NM_001386156.1, NM_001354257.2); c.4262-1896A>T (NM_001354264.2); c.4241-1896A>T (NM_001354267.2, NM_001386162.1, NM_001354249.2 and 2 more transcripts); c.4142-1896A>T (NM_001354271.2, NM_001386151.1, NM_001354260.2); c.3944-1896A>T (NM_001386158.1); and 35 more; short protein forms I3359L, I3437L, I3484L, I2237L, I3476L.
Identifiers: ClinVar variation 2771520 (VCV002771520.3), dbSNP rs2096011648, ClinGen allele CA357940135.

ClinVar aggregate classification (germline): Uncertain significance (1 of 4 stars; one submission).

Conditions:
Long QT syndrome (LQTS). Identifiers: MedGen C0023976, MeSH D008133, MONDO:0002442. Disease mechanism: loss of function. Inheritance: Various modes of inheritance.

Allele frequency attached by ClinVar (database versions not stated): TOPMed below 0.00001.

Submission:

Labcorp Genetics (formerly Invitae), Labcorp
Classification: Uncertain significance for Long QT syndrome. Last evaluated: 2023-10-24. Review status: criteria provided, single submitter. Criteria: Invitae Variant Classification Sherloc (09022015). Collection method: clinical testing. Allele origin: germline.
Comment: This sequence change replaces isoleucine, which is neutral and non-polar, with leucine, which is neutral and non-polar, at codon 3437 of the ANK2 protein (p.Ile3437Leu). This variant is not present in population databases (gnomAD no frequency). This variant has not been reported in the literature in individuals affected with ANK2-related conditions. Algorithms developed to predict the effect of missense changes on protein structure and function output the following: SIFT: "Not Available"; PolyPhen-2: "Benign"; Align-GVGD: "Not Available". The leucine amino acid residue is found in multiple mammalian species, which suggests that this missense change does not adversely affect protein function. In summary, the available evidence is currently insufficient to determine the role of this variant in disease. Therefore, it has been classified as a Variant of Uncertain Significance.